The following is an entry in ClinVar:

NM_025136.4(OPA3):c.336G>A (p.Glu112=)

Genes: OPA3 (outer mitochondrial membrane lipid metabolism regulator OPA3; minus strand), OPA3-RTN2 (OPA3-RTN2 readthrough; minus strand). Cytogenetic location: 19q13.32.
Variant type: single nucleotide variant.
Coding change: c.336G>A on transcript NM_025136.4 (MANE Select); coding-DNA position 336, G replaced by A.
Protein change: p.Glu112=; no amino-acid change (glutamic acid 112 retained).
Molecular consequence: synonymous variant. On other transcripts: intron variant (1).
Genome position (GRCh38, 1-based): chr19:45,553,718, C>T on the plus strand (G>A on the coding strand, the complement: OPA3 is on the minus strand). VCF-style: chr19-45553718-C-T. GRCh37 (hg19) VCF-style: chr19-46056976-C-T.
Other names: c.143-24262G>A (NM_001017989.3).
Identifiers: ClinVar variation 507946 (VCV000507946.12), dbSNP rs146349367, ClinGen allele CA9517416.

ClinVar aggregate classification (germline): Likely benign. Review status: criteria provided, multiple submitters, no conflicts (2 of 4 stars). 4 submissions from 4 submitters: Likely benign (3). 1 of the submissions does not count toward it. Last evaluated 2025-12-19.

Conditions:
OPA3-related disorder. Also called: OPA3-related condition.
3-Methylglutaconic aciduria type 3 (MGCA3). Also called: OPA3, AUTOSOMAL RECESSIVE; OPTIC ATROPHY 3, AUTOSOMAL RECESSIVE; Costeff Syndrome; OPA3-Related 3-Methylglutaconic Aciduria. Identifiers: Orphanet 67047, MedGen C0574084, MONDO:0009787, OMIM 258501.
Optic atrophy 3 (OPA3). Also called: OPTIC ATROPHY 3, AUTOSOMAL DOMINANT; Optic atrophy 3 with cataract; Optic atrophy, cataract, and neurologic disorder. Identifiers: Orphanet 67036, MedGen C1833809, MONDO:0008133, OMIM 165300.

Allele frequency attached by ClinVar (database versions not stated): gnomAD 0.00002; gnomAD exomes 0.00002 and 0.00003; TOPMed 0.00002; ExAC 0.00003.
gnomAD v4.1: 30 of 1,609,652 alleles (0.0019%); highest among the groups gnomAD compares: Non-Finnish European, 0.0025%; no homozygotes.

Submissions (4):

Labcorp Genetics (formerly Invitae), Labcorp
Classification: Likely benign for 3-Methylglutaconic aciduria type 3; Optic atrophy 3. Last evaluated: 2025-12-19. Review status: criteria provided, single submitter. Criteria: Invitae Variant Classification Sherloc (09022015). Collection method: clinical testing. Allele origin: germline.

Blueprint Genetics
Classification: Likely benign. Last evaluated: 2024-08-02. Review status: criteria provided, single submitter. Criteria: ACMG Guidelines, 2015. Collection method: clinical testing. Allele origin: germline.

GeneDx
Classification: Likely benign. Last evaluated: 2017-03-23. Review status: criteria provided, single submitter. Criteria: GeneDx Variant Classification (06012015). Collection method: clinical testing. Allele origin: germline. Affected: yes.
Comment: This variant is considered likely benign or benign based on one or more of the following criteria: it is a conservative change, it occurs at a poorly conserved position in the protein, it is predicted to be benign by multiple in silico algorithms, and/or has population frequency not consistent with disease.

PreventionGenetics, part of Exact Sciences
Classification: Likely benign for OPA3-related condition. Last evaluated: 2023-01-11. Review status: no assertion criteria provided. Collection method: clinical testing. Allele origin: germline. Not counted in ClinVar's aggregate classification.
Comment: This variant is classified as likely benign based on ACMG/AMP sequence variant interpretation guidelines (Richards et al. 2015 PMID: 25741868, with internal and published modifications).